The following is an entry in ClinVar:

NM_000037.4(ANK1):c.5601G>A (p.Ala1867=)

Gene: ANK1 (ankyrin 1; minus strand). Cytogenetic location: 8p11.21.
Variant type: single nucleotide variant.
Coding change: c.5601G>A on transcript NM_000037.4 (MANE Select); coding-DNA position 5601, G replaced by A.
Protein change: p.Ala1867=; no amino-acid change (alanine 1867 retained).
Molecular consequence: synonymous variant. On other transcripts: intron variant (6).
Genome position (GRCh38, 1-based): chr8:41,661,508, C>T on the plus strand (G>A on the coding strand, the complement: ANK1 is on the minus strand). VCF-style: chr8-41661508-C-T. GRCh37 (hg19) VCF-style: chr8-41519026-C-T.
Other names: c.426G>A, p.Ala142= (NM_020478.5); c.5667+368G>A (NM_001142446.2); c.5133+293G>A (NM_020477.3); c.5544+368G>A (NM_020475.3); c.5619+293G>A (NM_020476.3); c.303+2151G>A (NM_020480.5); c.444+293G>A (NM_001142445.2).
Identifiers: ClinVar variation 789017 (VCV000789017.9), dbSNP rs150975400, ClinGen allele CA4727062.

ClinVar aggregate classification (germline): Conflicting classifications of pathogenicity. Review status: criteria provided, conflicting classifications (1 of 4 stars). 4 submissions from 3 submitters: Uncertain significance (2); Likely benign (1). 1 of the submissions does not count toward it. Last evaluated 2018-07-06.

Conditions:
Spherocytosis. Identifiers: MedGen C0553720, HP:0004444.
ANK1-related disorder. Also called: ANK1-related condition.
Hereditary spherocytosis type 1. Also called: Spherocytosis type 1; ANK1-Related Spherocytosis. Identifiers: Orphanet 822, MedGen C2674218, MONDO:0008447, OMIM 182900.

Allele frequency attached by ClinVar (database versions not stated): gnomAD 0.00014 and 0.00017; ESP Exome Variant Server 0.00015; gnomAD exomes 0.00019 and 0.00028; TOPMed 0.00022; ExAC 0.00023.
gnomAD v4.1: 309 of 1,614,062 alleles (0.019%); highest among the groups gnomAD compares: Middle Eastern, 0.12%; no homozygotes.

Submissions (4):

Labcorp Genetics (formerly Invitae), Labcorp
Classification: Likely benign. Last evaluated: 2018-07-06. Review status: criteria provided, single submitter. Criteria: Invitae Variant Classification Sherloc (09022015). Collection method: clinical testing. Allele origin: germline.

Illumina Laboratory Services, Illumina
Classification: Uncertain significance for Hereditary spherocytosis type 1. Last evaluated: 2018-01-12. Review status: criteria provided, single submitter. Criteria: ICSL Variant Classification Criteria 13 December 2019. Collection method: clinical testing. Allele origin: germline.

Illumina Laboratory Services, Illumina
Classification: Uncertain significance for Spherocytosis. Last evaluated: 2018-01-12. Review status: criteria provided, single submitter. Criteria: ICSL Variant Classification Criteria 13 December 2019. Collection method: clinical testing. Allele origin: germline.

PreventionGenetics, part of Exact Sciences
Classification: Likely benign for ANK1-related condition. Last evaluated: 2019-10-08. Review status: no assertion criteria provided. Collection method: clinical testing. Allele origin: germline. Not counted in ClinVar's aggregate classification.
Comment: This variant is classified as likely benign based on ACMG/AMP sequence variant interpretation guidelines (Richards et al. 2015 PMID: 25741868, with internal and published modifications).